The following is an entry in ClinVar:

ClinVar aggregate classification (germline): Uncertain significance (1 of 4 stars; one submission).

Conditions:
Immunodeficiency 23 (IMD23). Also called: IMMUNODEFICIENCY WITH HYPER IgE AND COGNITIVE IMPAIRMENT; IMMUNODEFICIENCY-VASCULITIS-MYOCLONUS SYNDROME. Identifiers: Orphanet 443811, MedGen C4014371, MONDO:0014353, OMIM 615816.

Submission:

Labcorp Genetics (formerly Invitae), Labcorp
Classification: Uncertain significance for Immunodeficiency 23. Last evaluated: 2022-05-25. Review status: criteria provided, single submitter. Criteria: Invitae Variant Classification Sherloc (09022015). Collection method: clinical testing. Allele origin: germline.
Comment: In summary, the available evidence is currently insufficient to determine the role of this variant in disease. Therefore, it has been classified as a Variant of Uncertain Significance. Algorithms developed to predict the effect of sequence changes on RNA splicing suggest that this variant may disrupt the consensus splice site. Algorithms developed to predict the effect of missense changes on protein structure and function (SIFT, PolyPhen-2, Align-GVGD) all suggest that this variant is likely to be tolerated. This variant has not been reported in the literature in individuals affected with PGM3-related conditions. This variant is not present in population databases (gnomAD no frequency). This sequence change replaces valine, which is neutral and non-polar, with leucine, which is neutral and non-polar, at codon 372 of the PGM3 protein (p.Val372Leu).

NM_015599.3(PGM3):c.1030G>T (p.Val344Leu)

Gene: PGM3 (phosphoglucomutase 3; minus strand). Cytogenetic location: 6q14.1.
Variant type: single nucleotide variant.
Coding change: c.1030G>T on transcript NM_015599.3 (MANE Select); coding-DNA position 1030, G replaced by T.
Protein change: p.Val344Leu; replaces valine 344 with leucine.
Molecular consequence: missense variant. On other transcripts: non-coding transcript variant (1).
Genome position (GRCh38, 1-based): chr6:83,176,060, C>A on the plus strand (G>T on the coding strand, the complement: PGM3 is on the minus strand). VCF-style: chr6-83176060-C-A. GRCh37 (hg19) VCF-style: chr6-83885779-C-A.
Other names: c.787G>T, p.Val263Leu (NM_001199918.2); c.1030G>T, p.Val344Leu (NM_001199919.2, NM_001367286.1); c.1114G>T, p.Val372Leu (NM_001367287.1, NM_001199917.2); short protein forms V344L, V263L, V372L.
Identifiers: ClinVar variation 1998513 (VCV001998513.4), dbSNP rs2128490985, ClinGen allele CA364880741.